The following is an entry in ClinVar:

NM_000045.4(ARG1):c.272dup (p.Arg92fs)

Genes: ARG1 (arginase 1; plus strand), MED23 (mediator complex subunit 23; minus strand). Cytogenetic location: 6q23.2.
Variant type: Duplication.
Coding change: c.272dup on transcript NM_000045.4 (MANE Select); coding-DNA position 272, one base duplicated (G; older notation c.272dupG).
Protein change: p.Arg92fs; shifts the reading frame from arginine 92.
Molecular consequence: frameshift variant. On other transcripts: non-coding transcript variant (1), intron variant (2).
Genome position (GRCh38, 1-based): chr6:131,579,252, G duplicated; the last of 2 consecutive G bases (chr6:131,579,251-131,579,252); duplicating either gives the same sequence. VCF-style (leftmost placement, unchanged base first): chr6-131579250-C-CG. GRCh37 (hg19) VCF-style: chr6-131900390-C-CG.
Other names: c.296dup, p.Arg100fs (NM_001244438.2); c.272dup, p.Arg92fs (NM_001369020.1); c.4078-4956dup (NM_001270521.2); c.4096-4956dup (NM_015979.4); short protein forms R92fs, R100fs.
Identifiers: ClinVar variation 203606 (VCV000203606.11), dbSNP rs796051923, ClinGen allele CA312311.

ClinVar aggregate classification (germline): Pathogenic. Review status: criteria provided, multiple submitters, no conflicts (2 of 4 stars). 4 submissions from 4 submitters: Pathogenic (3). 1 of the submissions does not count toward it. Last evaluated 2025-04-17.

Conditions:
Arginase deficiency. Also called: Arginase 1 Deficiency; ARGININEMIA; ARG1 DEFICIENCY. Identifiers: Orphanet 90, MedGen C0268548, MONDO:0008814, OMIM 207800.

Submissions (4):

Labcorp Genetics (formerly Invitae), Labcorp
Classification: Pathogenic for Arginase deficiency. Last evaluated: 2025-04-17. Review status: criteria provided, single submitter. Criteria: Invitae Variant Classification Sherloc (09022015). Collection method: clinical testing. Allele origin: germline.
Comment: This sequence change creates a premature translational stop signal (p.Arg92Lysfs*26) in the ARG1 gene. It is expected to result in an absent or disrupted protein product. Loss-of-function variants in ARG1 are known to be pathogenic (PMID: 7649538, 12052859). This variant is present in population databases (rs748247473, gnomAD 0.02%). This variant has not been reported in the literature in individuals affected with ARG1-related conditions. ClinVar contains an entry for this variant (Variation ID: 203606). For these reasons, this variant has been classified as Pathogenic.

Baylor Genetics
Classification: Pathogenic for Arginase deficiency. Last evaluated: 2024-03-26. Review status: criteria provided, single submitter. Criteria: ACMG Guidelines, 2015. Collection method: clinical testing. Allele origin: unknown.

GeneDx
Classification: Pathogenic. Last evaluated: 2014-08-05. Review status: criteria provided, single submitter. Criteria: GeneDx Variant Classification (06012015). Collection method: clinical testing. Allele origin: germline. Affected: yes.
Comment: The c.272dupG mutation in the ARG1 gene causes a frameshift starting with codon Arginine92, changes this amino acid to a Lysine residue and creates a premature Stop codon at position 26 of the new reading frame, denoted p.Arg92LysfsX26. This mutation is predicted to cause loss of normal protein function either through protein truncation or nonsense-mediated mRNA decay. Although this mutation has not been previously reported to our knowledge, it is expected to be a pathogenic mutation. The variant is found in ARG1 panel(s).

Counsyl
Classification: Likely pathogenic for Arginase deficiency. Last evaluated: 2017-04-24. Review status: no assertion criteria provided. Collection method: clinical testing. Allele origin: unknown. Not counted in ClinVar's aggregate classification.

Literature cited by the submitters: PubMed 7649538 (cited by Labcorp Genetics (formerly Invitae), Labcorp); PubMed 12052859 (cited by Labcorp Genetics (formerly Invitae), Labcorp).